The following is an entry in ClinVar:

NM_000038.6(APC):c.4667del (p.Thr1556fs)

Gene: APC (APC regulator of Wnt signaling pathway; plus strand). Cytogenetic location: 5q22.2.
Variant type: Deletion.
Coding change: c.4667del on transcript NM_000038.6 (MANE Select); coding-DNA position 4667, one base deleted (C; older notation c.4667delC).
Protein change: p.Thr1556fs; shifts the reading frame from threonine 1556.
Molecular consequence: frameshift variant. On other transcripts: non-coding transcript variant (2).
Genome position (GRCh38, 1-based): chr5:112,840,261, C deleted. VCF-style (leftmost placement, unchanged base first): chr5-112840260-AC-A. GRCh37 (hg19) VCF-style: chr5-112175957-AC-A.
Other names: c.4667del, p.Thr1556fs (NM_001127510.3, NM_001354895.2, NM_001407450.1); c.4613del, p.Thr1538fs (NM_001127511.3); c.4721del, p.Thr1574fs (NM_001354896.2, NM_001407447.1, NM_001407448.1 and 1 more transcripts); c.4697del, p.Thr1566fs (NM_001354897.2); c.4592del, p.Thr1531fs (NM_001354898.2); c.4583del, p.Thr1528fs (NM_001354899.2); c.4544del, p.Thr1515fs (NM_001354900.2); c.4490del, p.Thr1497fs (NM_001354901.2, NM_001407453.1); and 11 more; short protein forms T1172fs, T1273fs, T1396fs, T1427fs, T1430fs, T1455fs, T1465fs, T1473fs.
Identifiers: ClinVar variation 2574109 (VCV002574109.1), dbSNP rs2533590608, ClinGen allele CA2695205302.

ClinVar aggregate classification (germline): Likely pathogenic (0 of 4 stars; one submission).

Conditions:
Familial adenomatous polyposis 1 (FAP1). Also called: POLYPOSIS, ADENOMATOUS INTESTINAL; FAMILIAL ADENOMATOUS POLYPOSIS 1, ATTENUATED. Identifiers: MedGen C2713442, MONDO:0021056, OMIM 175100. Disease mechanism: loss of function.

Submission:

deCODE genetics, Amgen
Classification: Likely pathogenic for Familial adenomatous polyposis 1. Last evaluated: 2023-07-21. Review status: no assertion criteria provided. Collection method: research. Allele origin: germline. Affected: yes. Observed: 1 variant allele.
Comment: The variant NM_000038.6:c.4667del (chr5:112840260) in APC was detected in 1 heterozygote out of 58K WGS Icelanders (MAF= 0,001%). This variant has not been reported in ClinVar previously. Based on ACMG criteria (PVS1, PM2) this variant classifies as likely pathogenic.